The following is an entry in ClinVar:

ClinVar aggregate classification (germline): Uncertain significance (1 of 4 stars; one submission).

Conditions:
Primary ciliary dyskinesia. Also called: Ciliary dyskinesia. Identifiers: Orphanet 244, MedGen C0008780, MONDO:0016575, HP:0012265.

gnomAD v4.1: 2 of 1,613,730 alleles (0.00012%); highest among the groups gnomAD compares: Non-Finnish European, 0.00017%; no homozygotes.

Submission:

Labcorp Genetics (formerly Invitae), Labcorp
Classification: Uncertain significance for Primary ciliary dyskinesia. Last evaluated: 2024-10-22. Review status: criteria provided, single submitter. Criteria: Invitae Variant Classification Sherloc (09022015). Collection method: clinical testing. Allele origin: germline.
Comment: This sequence change replaces glutamic acid, which is acidic and polar, with alanine, which is neutral and non-polar, at codon 3534 of the DNAH8 protein (p.Glu3534Ala). This variant is not present in population databases (gnomAD no frequency). This variant has not been reported in the literature in individuals affected with DNAH8-related conditions. Invitae Evidence Modeling of protein sequence and biophysical properties (such as structural, functional, and spatial information, amino acid conservation, physicochemical variation, residue mobility, and thermodynamic stability) indicates that this missense variant is not expected to disrupt DNAH8 protein function with a negative predictive value of 80%. In summary, the available evidence is currently insufficient to determine the role of this variant in disease. Therefore, it has been classified as a Variant of Uncertain Significance.

NM_001206927.2(DNAH8):c.10601A>C (p.Glu3534Ala)

Genes: DNAH8 (dynein axonemal heavy chain 8; plus strand), DNAH8-AS1 (DNAH8 antisense RNA 1; minus strand). Cytogenetic location: 6p21.2.
Variant type: single nucleotide variant.
Coding change: c.10601A>C on transcript NM_001206927.2 (MANE Select); coding-DNA position 10601, A replaced by C.
Protein change: p.Glu3534Ala; replaces glutamic acid 3534 with alanine.
Molecular consequence: missense variant.
Genome position (GRCh38, 1-based): chr6:38,921,445, A>C. VCF-style: chr6-38921445-A-C. GRCh37 (hg19) VCF-style: chr6-38889221-A-C.
Other names: c.9950A>C, p.Glu3317Ala (NM_001371.4); short protein forms E3317A, E3534A.
Identifiers: ClinVar variation 3649770 (VCV003649770.2).